The following is an entry in ClinVar:

ClinVar aggregate classification (germline): Uncertain significance (1 of 4 stars; one submission).

Conditions:
Gorlin syndrome. Also called: Nevoid Basal Cell Carcinoma Syndrome; Basal cell nevus syndrome. Identifiers: Orphanet 377, MedGen C0004779, MONDO:0007187.

Allele frequency attached by ClinVar (database versions not stated): gnomAD exomes below 0.00001; TOPMed below 0.00001; ExAC 0.00001; gnomAD 0.00001; 1000 Genomes Project 30x 0.00016; 1000 Genomes Project 0.00020.
gnomAD v4.1: 7 of 1,613,554 alleles (0.00043%); highest among the groups gnomAD compares: Middle Eastern, 0.017%; no homozygotes.

Submission:

Labcorp Genetics (formerly Invitae), Labcorp
Classification: Uncertain significance for Gorlin syndrome. Last evaluated: 2022-07-15. Review status: criteria provided, single submitter. Criteria: Invitae Variant Classification Sherloc (09022015). Collection method: clinical testing. Allele origin: germline.
Comment: This sequence change replaces valine, which is neutral and non-polar, with methionine, which is neutral and non-polar, at codon 433 of the PTCH2 protein (p.Val433Met). This variant is present in population databases (rs559805545, gnomAD 0.007%). This variant has not been reported in the literature in individuals affected with PTCH2-related conditions. Algorithms developed to predict the effect of missense changes on protein structure and function are either unavailable or do not agree on the potential impact of this missense change (SIFT: "Tolerated"; PolyPhen-2: "Possibly Damaging"; Align-GVGD: "Class C0"). In summary, the available evidence is currently insufficient to determine the role of this variant in disease. Therefore, it has been classified as a Variant of Uncertain Significance.

NM_003738.5(PTCH2):c.1297G>A (p.Val433Met)

Gene: PTCH2 (patched 2; minus strand). Cytogenetic location: 1p34.1.
Variant type: single nucleotide variant.
Coding change: c.1297G>A on transcript NM_003738.5 (MANE Select); coding-DNA position 1297, G replaced by A.
Protein change: p.Val433Met; replaces valine 433 with methionine.
Molecular consequence: missense variant.
Genome position (GRCh38, 1-based): chr1:44,829,231, C>T on the plus strand (G>A on the coding strand, the complement: PTCH2 is on the minus strand). VCF-style: chr1-44829231-C-T. GRCh37 (hg19) VCF-style: chr1-45294903-C-T.
Other names: c.1297G>A, p.Val433Met (NM_001166292.2); short protein forms V433M.
Identifiers: ClinVar variation 1933691 (VCV001933691.5), dbSNP rs559805545, ClinGen allele CA823358.
Genomic context (GRCh38, chr1:44,829,231, plus strand): 5'-CATTGAAGGTGATGCCGAGCAGGGCACAGAGCCCAAGGCCTGAGGCCACCGCCAGGGCCA[C>T]CAGCAGTACCCCGGCAAGGCCCACGGAACCCTGGGACTGGGCGCAGTCCCACCGCAGCAT-3'
Protein context (NP_003729.3, residues 423-443): GSVGLAGVLL[Val433Met]ALAVASGLGL